The following is an entry in ClinVar:

ClinVar aggregate classification (germline): Likely benign. Review status: criteria provided, multiple submitters, no conflicts (2 of 4 stars). 3 submissions from 3 submitters: Likely benign (3). Last evaluated 2024-07-17.

Allele frequency attached by ClinVar (database versions not stated): gnomAD exomes 0.00005 and 0.00015; TOPMed 0.00005; gnomAD 0.00006 and 0.00007; 1000 Genomes Project 30x 0.00016; ExAC 0.00016; 1000 Genomes Project 0.00020.
gnomAD v4.1: 89 of 1,613,712 alleles (0.0055%); highest among the groups gnomAD compares: South Asian, 0.057%; 1 homozygote.

Submissions (3):

Blueprint Genetics
Classification: Likely benign. Last evaluated: 2024-07-17. Review status: criteria provided, single submitter. Criteria: ACMG Guidelines, 2015. Collection method: clinical testing. Allele origin: germline.

Ambry Genetics
Classification: Likely benign. Last evaluated: 2022-02-03. Review status: criteria provided, single submitter. Criteria: Ambry Variant Classification Scheme 2023. Collection method: clinical testing. Allele origin: germline.

GeneDx
Classification: Likely benign. Last evaluated: 2021-02-15. Review status: criteria provided, single submitter. Criteria: GeneDx Variant Classification Process June 2021. Collection method: clinical testing. Allele origin: germline. Affected: yes.
Comment: In silico analysis supports that this missense variant does not alter protein structure/function; Has not been previously published as pathogenic or benign to our knowledge

NM_002160.4(TNC):c.1172G>A (p.Arg391Gln)

Gene: TNC (tenascin C; minus strand). Cytogenetic location: 9q33.1.
Variant type: single nucleotide variant.
Coding change: c.1172G>A on transcript NM_002160.4 (MANE Select); coding-DNA position 1172, G replaced by A.
Protein change: p.Arg391Gln; replaces arginine 391 with glutamine.
Molecular consequence: missense variant.
Genome position (GRCh38, 1-based): chr9:115,086,559, C>T on the plus strand (G>A on the coding strand, the complement: TNC is on the minus strand). VCF-style: chr9-115086559-C-T. GRCh37 (hg19) VCF-style: chr9-117848838-C-T.
Other names: short protein forms R391Q.
Identifiers: ClinVar variation 1317647 (VCV001317647.5), dbSNP rs373595456, ClinGen allele CA5208872.